The following is an entry in ClinVar:

ClinVar aggregate classification (germline): Likely pathogenic. Review status: criteria provided, multiple submitters, no conflicts (2 of 4 stars). 2 submissions from 2 submitters: Likely pathogenic (2). Last evaluated 2024-01-16.

Conditions:
Familial adenomatous polyposis 2. Also called: COLORECTAL ADENOMATOUS POLYPOSIS, AUTOSOMAL RECESSIVE; ADENOMAS, MULTIPLE COLORECTAL, AUTOSOMAL RECESSIVE; MYH-associated polyposis; MUTYH-associated polyposis; MUTYH-related attenuated familial adenomatous polyposis; MUTYH Polyposis. Identifiers: Orphanet 220460, Orphanet 247798, MedGen C3272841, MONDO:0012041, OMIM 608456.

Submissions (2):

Myriad Genetics, Inc.
Classification: Likely pathogenic for Familial adenomatous polyposis 2. Last evaluated: 2024-01-16. Review status: criteria provided, single submitter. Criteria: Myriad Autosomal Dominant, Autosomal Recessive and X-Linked Classification Criteria (2023). Collection method: clinical testing. Allele origin: unknown.
Comment: This variant is considered likely pathogenic. This variant occurs within a consensus splice junction and is predicted to result in abnormal mRNA splicing of either an out-of-frame exon or an in-frame exon necessary for protein stability and/or normal function.

All of Us Research Program, National Institutes of Health
Classification: Likely pathogenic for Familial adenomatous polyposis 2. Last evaluated: 2023-07-19. Review status: criteria provided, single submitter. Criteria: ACMG Guidelines, 2015. Collection method: clinical testing. Allele origin: germline. Inheritance: Autosomal recessive inheritance. Observed: 1 variant allele, 1 heterozygote.
Comment: This variant causes a G to A nucleotide substitution at the +1 position of intron 8 of the MUTYH gene. Splice site prediction tools predict that this variant may have a significant impact on RNA splicing. This variant is likely to cause in-frame skipping of exon 8 (114 base pairs; amino acids 193-230). One study identified a neighboring variant, c.690G>A (referred to as "c.681G>A" in the article), in the compound heterozygous state in two unrelated individuals affected with MUTYH-associated polyposis (PMID: 18515411). A sample from one of these individuals showed exon 8 skipping, suggesting a deleterious effect (PMID: 18515411). Although RNA studies have not been reported, this variant is expected to result in a disrupted protein product. This variant has not been reported in individuals affected with hereditary cancer in the literature. This variant has not been identified in the general population by the Genome Aggregation Database (gnomAD). Loss of MUTYH function is a known mechanism of disease. Based on the available evidence, this variant is classified as Likely Pathogenic.

This study involves interpretation of variants in research participants for the purpose of population health screening. Participant phenotype was not available at the time of variant classification. Additional details can be found in publication PMID: 35346344, PMCID: PMC8962531

Literature cited by the submitters: PubMed 18515411 (cited by All of Us Research Program, National Institutes of Health).

NM_001048174.2(MUTYH):c.606+1G>A

Gene: MUTYH (mutY DNA glycosylase; minus strand). Cytogenetic location: 1p34.1.
Variant type: single nucleotide variant.
Coding change: c.606+1G>A on transcript NM_001048174.2 (MANE Select); the canonical splice donor site of the intron after coding-DNA position 606, G replaced by A.
Molecular consequence: splice donor variant.
Genome position (GRCh38, 1-based): chr1:45,332,573, C>T on the plus strand (G>A on the coding strand, the complement: MUTYH is on the minus strand). VCF-style: chr1-45332573-C-T. GRCh37 (hg19) VCF-style: chr1-45798245-C-T.
Other names: c.606+1G>A (NM_001407072.1, NM_001407073.1, NM_001048171.2 and 6 more transcripts); c.261+1G>A (NM_001350651.2, NM_001350650.2, NM_001407082.1); c.330+1G>A (NM_001293192.2, NM_001293196.2, NM_001407091.1); c.651+1G>A (NM_001293190.2); c.639+1G>A (NM_001407069.1, NM_001407077.1, NM_001293191.2); c.681+1G>A (NM_012222.3); c.690+1G>A (NM_001128425.2); c.609+1G>A (NM_001407071.1, NM_001048172.2, NM_001407078.1 and 1 more transcripts); and 5 more.
Identifiers: ClinVar variation 3072452 (VCV003072452.2), dbSNP rs878854193, ClinGen allele CA340135255.